The following is an entry in ClinVar:

ClinVar aggregate classification (germline): Uncertain significance (1 of 4 stars; one submission).

Submission:

GeneDx
Classification: Uncertain significance. Last evaluated: 2026-02-24. Review status: criteria provided, single submitter. Criteria: GeneDx Variant Classification Process June 2021. Collection method: clinical testing. Allele origin: germline.
Comment: Not observed at significant frequency in large population cohorts (gnomAD); In silico analysis suggests that this missense variant does not alter protein structure/function; Has not been previously published as pathogenic or benign to our knowledge; Exons 27 and 30 are small, in-frame, and not expressed in functional isoforms of SMARCA4 (PMID: 18437052). Variants resulting in loss of exon 30 by deletion or canonical splice changes are seen in individuals without SMARCA4-related disease (internal data; external communication). We therefore consider exon 27 and exon 30 variants to have uncertain clinical significance.; This variant is associated with the following publications: (PMID: 18437052)

NM_003072.5(SMARCA4):c.3781C>A (p.His1261Asn)

Gene: SMARCA4 (SWI/SNF related BAF chromatin remodeling complex subunit ATPase 4; plus strand). Cytogenetic location: 19p13.2.
Variant type: single nucleotide variant.
Coding change: c.3781C>A on transcript NM_003072.5 (MANE Select); coding-DNA position 3781, C replaced by A.
Protein change: p.His1261Asn; replaces histidine 1261 with asparagine.
Molecular consequence: missense variant. On other transcripts: intron variant (6).
Genome position (GRCh38, 1-based): chr19:11,033,773, C>A. VCF-style: chr19-11033773-C-A. GRCh37 (hg19) VCF-style: chr19-11144449-C-A.
Other names: c.3781C>A, p.His1261Asn (NM_001128844.3, NM_001128849.3, NM_001387283.1); c.3774+256C>A (NM_001128847.4, NM_001411150.1, NM_001374457.1 and 3 more transcripts); short protein forms H1261N.
Identifiers: ClinVar variation 4888076 (VCV004888076.1).